The following is an entry in ClinVar:

NM_014215.3(INSRR):c.1170C>T (p.Leu390=)

Genes: INSRR (insulin receptor related receptor; minus strand), NTRK1 (neurotrophic receptor tyrosine kinase 1; plus strand). Cytogenetic location: 1q23.1.
Variant type: single nucleotide variant.
Coding change: c.1170C>T on transcript NM_014215.3 (MANE Select); coding-DNA position 1170, C replaced by T.
Protein change: p.Leu390=; no amino-acid change (leucine 390 retained).
Molecular consequence: synonymous variant. On other transcripts: intron variant (1).
Genome position (GRCh38, 1-based): chr1:156,851,349, G>A on the plus strand (C>T on the coding strand, the complement: INSRR is on the minus strand). VCF-style: chr1-156851349-G-A. GRCh37 (hg19) VCF-style: chr1-156821141-G-A.
Other names: c.122+9156G>A (NM_001007792.1).
Identifiers: ClinVar variation 4534408 (VCV004534408.6).

ClinVar aggregate classification (germline): Likely benign (1 of 4 stars; one submission).

gnomAD v4.1: 21 of 1,614,118 alleles (0.0013%); highest among the groups gnomAD compares: Non-Finnish European, 0.0015%; no homozygotes.

Submission:

CeGaT Center for Human Genetics Tuebingen
Classification: Likely benign. Last evaluated: 2025-11-01. Review status: criteria provided, single submitter. Criteria: CeGaT Center For Human Genetics Tuebingen Variant Classification Criteria Version 2. Collection method: clinical testing. Allele origin: germline. Affected: yes. Observed: 1 variant allele.
Comment: INSRR: BP4, BP7